The following is an entry in ClinVar:

NM_004712.5(HGS):c.1221G>A (p.Gln407=)

Gene: HGS (hepatocyte growth factor-regulated tyrosine kinase substrate; plus strand). Cytogenetic location: 17q25.3.
Variant type: single nucleotide variant.
Coding change: c.1221G>A on transcript NM_004712.5 (MANE Select); coding-DNA position 1221, G replaced by A.
Protein change: p.Gln407=; no amino-acid change (glutamine 407 retained).
Molecular consequence: synonymous variant.
Genome position (GRCh38, 1-based): chr17:81,695,827, G>A. VCF-style: chr17-81695827-G-A. GRCh37 (hg19) VCF-style: chr17-79662857-G-A.
Identifiers: ClinVar variation 2648462 (VCV002648462.24), dbSNP rs1295504141, ClinGen allele CA502422575.

ClinVar aggregate classification (germline): Likely benign (1 of 4 stars; one submission).

Allele frequency attached by ClinVar (database versions not stated): gnomAD 0.00001; TOPMed 0.00002.
gnomAD v4.1: 1 of 1,613,472 alleles (0.000062%); highest among the groups gnomAD compares: African/African-American, 0.0013%; no homozygotes.

Submission:

CeGaT Center for Human Genetics Tuebingen
Classification: Likely benign. Last evaluated: 2023-04-01. Review status: criteria provided, single submitter. Criteria: CeGaT Center For Human Genetics Tuebingen Variant Classification Criteria Version 2. Collection method: clinical testing. Allele origin: germline. Affected: yes. Observed: 1 variant allele.
Comment: HGS: BP4, BP7